The following is an entry in ClinVar:

NM_002528.7(NTHL1):c.244C>T (p.Gln82Ter)

Genes: NTHL1 (nth like DNA glycosylase 1; minus strand), TSC2 (TSC complex subunit 2; plus strand). Cytogenetic location: 16p13.3.
Variant type: single nucleotide variant.
Coding change: c.244C>T on transcript NM_002528.7 (MANE Select); coding-DNA position 244, C replaced by T.
Protein change: p.Gln82Ter; replaces glutamine 82 with a stop codon.
Molecular consequence: nonsense. On other transcripts: intron variant (1).
Genome position (GRCh38, 1-based): chr16:2,046,238, G>A on the plus strand (C>T on the coding strand, the complement: NTHL1 is on the minus strand). VCF-style: chr16-2046238-G-A. GRCh37 (hg19) VCF-style: chr16-2096239-G-A.
Other names: Q90*; p.Gln82*; c.244C>T, p.Gln82Ter (LRG_1366t1, NM_001318193.2); c.24+42C>T (NM_001318194.2); short protein forms Q82*.
Identifiers: ClinVar variation 192319 (VCV000192319.94), dbSNP rs150766139, ClinGen allele CA200196.

ClinVar aggregate classification (germline): Pathogenic/Likely pathogenic. Review status: criteria provided, multiple submitters, no conflicts (2 of 4 stars). 44 submissions from 44 submitters: Pathogenic (35); Likely pathogenic (1). 8 of the submissions do not count toward it. Last evaluated 2026-09-12.

Conditions:
Inherited polyposis and early onset colorectal cancer - germline testing.
NTHL1-related disorder. Also called: NTHL1-related condition; NTHL1-related conditions.
NTHL1-deficiency tumor predisposition syndrome. Identifiers: MedGen CN315924, MONDO:0100502.
Familial adenomatous polyposis 3. Also called: NTHL1-related attenuated familial adenomatous polyposis; NTHL1-associated polyposis; NTHL1 Tumor Syndrome; NTHL1-Related Adenomatous Polyposis and Colorectal Cancer. Identifiers: Orphanet 220460, Orphanet 454840, MedGen C4225157, MONDO:0014630, OMIM 616415.
Colorectal cancer. Also called: Malignant Colorectal Neoplasm; Colorectal cancer, somatic. Identifiers: MedGen C0346629, MONDO:0005575, OMIM 114500.
Hereditary cancer-predisposing syndrome. Also called: Tumor predisposition; Neoplastic Syndromes, Hereditary; Hereditary Cancer Syndrome; Hereditary neoplastic syndrome. Identifiers: Orphanet 140162, MedGen C0027672, MeSH D009386, MONDO:0015356.

Allele frequency attached by ClinVar (database versions not stated): 1000 Genomes Project 30x 0.00031; 1000 Genomes Project 0.00040; ESP Exome Variant Server 0.00085; TOPMed 0.00099; gnomAD 0.00135 and 0.00138; gnomAD exomes 0.00141 and 0.00163; ExAC 0.00154.
gnomAD v4.1: 2,568 of 1,613,200 alleles (0.16%); highest among the groups gnomAD compares: Non-Finnish European, 0.18%; 1 homozygote.

Submissions 1 to 12 of 44:

PreventionGenetics, part of Exact Sciences
Classification: Pathogenic for NTHL1-related condition. Last evaluated: 2026-09-12. Review status: criteria provided, single submitter. Criteria: ACMG Guidelines, 2015. Collection method: clinical testing. Allele origin: germline.
Comment: The NTHL1 c.268C>T variant is predicted to result in premature protein termination (p.Gln90*). This variant has been reported in the homozygous and compound heterozygous states in individuals with multiple colorectal adenomas and an increased susceptibility to colorectal, endometrial, skin, breast and bladder cancer (Rivera et al. 2015. PubMed ID: 26559593; Weren et al. 2015. PubMed ID: 25938944; Belhadj et al. 2017. PubMed ID: 27720914). Functional studies in B-lymphocytes from homozygous carriers indicate that this variant results in nonsense mediated decay and a ten-fold reduction in NTHL1 RNA expression in comparison to controls (Weren et al. 2015. PubMed ID: 25938944). This variant is reported in 0.35% of alleles in individuals of European (Finnish) descent in gnomAD and is interpreted as pathogenic by the vast majority of ClinVar entries (Variation ID: 192319). Nonsense variants in NTHL1 are expected to be pathogenic. This variant is interpreted as pathogenic for autosomal recessive NTHL1-related cancer predisposition.

Praxis Für Humangenetik, Biosciencia MVZ Labor Saar
Classification: Pathogenic for Hereditary cancer-predisposing syndrome. Last evaluated: 2026-06-17. Review status: criteria provided, single submitter. Criteria: ACMG Guidelines, 2015. Collection method: clinical testing. Allele origin: germline. Affected: no.
Comment: PVS1, PM1, PM2, PP5

CeGaT Center for Human Genetics Tuebingen
Classification: Pathogenic. Last evaluated: 2026-06-01. Review status: criteria provided, single submitter. Criteria: CeGaT Center For Human Genetics Tuebingen Variant Classification Criteria Version 2. Collection method: clinical testing. Allele origin: germline. Affected: yes. Observed: 14 variant alleles.
Comment: NTHL1: PVS1, PP1:Strong

Dasa
Classification: Pathogenic. Last evaluated: 2026-03-25. Review status: criteria provided, single submitter. Criteria: DASA Assertion Criteria. Collection method: clinical testing. Allele origin: germline.
Comment: NM_002528.7(NTHL1):c.244C>T (p.Gln82Ter) introduces a premature termination codon predicted to result in loss of normal protein function. Loss-of-function is an established mechanism of disease for this gene. This variant has been recurrently observed in individuals with related phenotype (PMID: 25938944; PMID: 26553438; PMID: 26559593; PMID: 30753826; PMID: 27713038). Segregation evidence has been reported in affected families. The variant is present at low frequency in population datasets. Based on the available data, this variant is classified as pathogenic.

St. Jude Molecular Pathology, St. Jude Children's Research Hospital
Classification: Pathogenic for Familial adenomatous polyposis 3. Last evaluated: 2026-02-20. Review status: criteria provided, single submitter. Criteria: St. Jude Assertion Criteria 2020. Collection method: clinical testing. Allele origin: germline.
Comment: The NTHL1 c.244C>T p.(Gln82Ter) change is a nonsense variant that is predicted to cause premature protein truncation and loss of normal protein function. This variant has been reported as homozygous in individuals across multiple families with colon cancer and/or adenomatous polyposi s (PMID: 25938944, 27720914, 30248171, 31645984). It has also been reported as compound heterozygous in an individual with adenocarcinoma of the colon and >30 colorectal adenomas (PMID: 26559593). This variant has a maximum subpopulation frequency of 0.3 5% in gnomAD v2.1.1. In summary, this variant meets criteria to be classified as pathogenic.

OLLIN Analises Genomicas, OLLIN
Classification: Pathogenic for Familial adenomatous polyposis 3. Last evaluated: 2026-02-13. Review status: criteria provided, single submitter. Criteria: ACMG Guidelines 2015 PMID 25741868. Collection method: clinical testing. Allele origin: germline. Observed: 1 variant allele.
Comment: PVS1, PM3_VS, PP1, BS1

Labcorp Genetics (formerly Invitae), Labcorp
Classification: Pathogenic. Last evaluated: 2026-02-03. Review status: criteria provided, single submitter. Criteria: Invitae Variant Classification Sherloc (09022015). Collection method: clinical testing. Allele origin: germline.
Comment: This sequence change creates a premature translational stop signal (p.Gln90*) in the NTHL1 gene. It is expected to result in an absent or disrupted protein product. Loss-of-function variants in NTHL1 are known to be pathogenic (PMID: 25938944, 26559593). This variant is present in population databases (rs150766139, gnomAD 0.4%), and has an allele count higher than expected for a pathogenic variant. This premature translational stop signal has been observed in individual(s) with multiple adenomatous polyps and colorectal cancer (PMID: 25938944, 26559593, 27720914). In at least one individual the data is consistent with being in trans (on the opposite chromosome) from a pathogenic variant. ClinVar contains an entry for this variant (Variation ID: 192319). For these reasons, this variant has been classified as Pathogenic.

Center for Genomic Medicine, Rigshospitalet, Copenhagen University Hospital
Classification: Pathogenic. Last evaluated: 2025-12-29. Review status: criteria provided, single submitter. Criteria: ACMG Guidelines, 2015. Collection method: clinical testing. Allele origin: germline.

Variantyx, Inc.
Classification: Pathogenic for Familial adenomatous polyposis 3. Last evaluated: 2025-12-16. Review status: criteria provided, single submitter. Criteria: Variantyx Assertion Criteria 2022. Collection method: clinical testing. Allele origin: germline. Inheritance: Autosomal recessive inheritance. Affected: no.
Comment: This is a nonsense variant in the NTHL1 gene (OMIM: 602656). Pathogenic variants in this gene have been associated with autosomal recessive familial adenomatous polyposis 3. This variant introduces a premature termination codon in exon two out of six and is expected to result in loss of function, which is a known disease mechanism for NTHL1 in this disorder (PMID: 25938944;27476653;26559593) (PVS1). It has been reported in several unrelated affected individuals (PMID: 25938944, 30753826, 37727376, 31227763, 26559593, 31645984) (PS4), and it has a 0.1766% maximum allele frequency in non-founder control populations. Based on the current evidence, this variant is classified as pathogenic for autosomal recessive familial adenomatous polyposis 3.

Genetic Services Laboratory, University of Chicago
Classification: Pathogenic. Last evaluated: 2025-11-03. Review status: criteria provided, single submitter. Criteria: ACMG Guidelines, 2015. Collection method: clinical testing. Allele origin: germline.
Comment: DNA sequence analysis of the NTHL1 gene demonstrated a sequence change, c.244C>T, in exon 2 which results in the creation of a premature stop codon at amino acid residue 82, p.Gln82*. This sequence change is predicted to result in loss-of-function of the NTHL1 protein through protein truncation or nonsense-mediated decay. This variant has been described in the gnomAD database with a frequency of 0.35% in the Finnish sub-population (dbSNP rs150766139). This sequence change has been identified in multiple individuals with NTHL1-associated polyposis in the homozygous or compound heterozygous state (PMID: 30248171, 29909963, 27720914, 27713038, 26553438, 25938944, 18515411).

Quest Diagnostics Nichols Institute San Juan Capistrano
Classification: Pathogenic. Last evaluated: 2025-06-02. Review status: criteria provided, single submitter. Criteria: Quest Diagnostics criteria. Collection method: clinical testing. Allele origin: unknown.
Comment: The NTHL1 c.268C>T (p.Gln90*) variant is predicted to cause the premature termination of NTHL1 protein synthesis. This variant has been reported in the published literature in individuals with colorectal cancer or adenomas (PMID: 26553438 (2015), 27713038 (2017), 27720914 (2017), 33193653 (2020), 30753826 (2019), 26559593 (2015), 33454955 (2021), 37727376 (2023), 25938944 (2015), 18515411 (2008)) and breast/ovarian cancer (PMID: 33454955 (2021)). In the Finnish population, this variant was shown to be associated with breast cancer with a high risk for homozygous and a low risk for heterozygous women (PMID: 38036545 (2023)). This variant segregates with disease in multiple families (PMID: 25938944 (2015), 37727376 (2023)). This variant is also referred to as c.244C>T (p.Gln82Ter) in published literature. Based on the available information, this variant is classified as pathogenic.

Unidad de Genética Molecular HGU Elche, Hospital General Universitario de Elche
Classification: Pathogenic for Hereditary cancer-predisposing syndrome. Last evaluated: 2025-05-05. Review status: criteria provided, single submitter. Criteria: ACMG Guidelines, 2015. Collection method: clinical testing. Allele origin: germline. Affected: yes.
Comment: PVS1; PP5 very strong; PM2 supporting